The following is an entry in ClinVar:

NM_001042492.3(NF1):c.5124del (p.Phe1708fs)

Gene: NF1 (neurofibromin 1; plus strand). Cytogenetic location: 17q11.2.
Variant type: Deletion.
Coding change: c.5124del on transcript NM_001042492.3 (MANE Select); coding-DNA position 5124, one base deleted (C; older notation c.5124delC).
Protein change: p.Phe1708fs; shifts the reading frame from phenylalanine 1708.
Molecular consequence: frameshift variant.
Genome position (GRCh38, 1-based): chr17:31,326,108, C deleted. VCF-style (leftmost placement, unchanged base first): chr17-31326107-TC-T. GRCh37 (hg19) VCF-style: chr17-29653125-TC-T.
Other names: c.5061delC, p.Phe1687Leufs (NM_000267.4); short protein forms F1687fs, F1708fs.
Identifiers: ClinVar variation 2709524 (VCV002709524.3), dbSNP rs2508697323, ClinGen allele CA2697559574.

ClinVar aggregate classification (germline): Pathogenic (1 of 4 stars; one submission).

Conditions:
Neurofibromatosis, type 1 (NF1). Also called: Peripheral type neurofibromatosis; VON RECKLINGHAUSEN DISEASE; NEUROFIBROMATOSIS, TYPE I, SOMATIC; Neurofibromatosis, type I. Identifiers: Orphanet 636, MedGen C0027831, MONDO:0018975, OMIM 162200. Disease mechanism: loss of function.

Submission:

Labcorp Genetics (formerly Invitae), Labcorp
Classification: Pathogenic for Neurofibromatosis, type 1. Last evaluated: 2024-01-16. Review status: criteria provided, single submitter. Criteria: Invitae Variant Classification Sherloc (09022015). Collection method: clinical testing. Allele origin: germline.
Comment: This sequence change creates a premature translational stop signal (p.Phe1687Leufs*2) in the NF1 gene. It is expected to result in an absent or disrupted protein product. Loss-of-function variants in NF1 are known to be pathogenic (PMID: 10712197, 23913538). This variant is not present in population databases (gnomAD no frequency). This variant has not been reported in the literature in individuals affected with NF1-related conditions. Algorithms developed to predict the effect of sequence changes on RNA splicing suggest that this variant may create or strengthen a splice site. For these reasons, this variant has been classified as Pathogenic.

Literature cited by the submitters: PubMed 10712197; PubMed 23913538.